The following is an entry in ClinVar:

NM_000180.4(GUCY2D):c.849C>G (p.Tyr283Ter)

Gene: GUCY2D (guanylate cyclase 2D, retinal; plus strand). Cytogenetic location: 17p13.1.
Variant type: single nucleotide variant.
Coding change: c.849C>G on transcript NM_000180.4 (MANE Select); coding-DNA position 849, C replaced by G.
Protein change: p.Tyr283Ter; replaces tyrosine 283 with a stop codon.
Molecular consequence: nonsense.
Genome position (GRCh38, 1-based): chr17:8,003,979, C>G. VCF-style: chr17-8003979-C-G. GRCh37 (hg19) VCF-style: chr17-7907297-C-G.
Other names: short protein forms Y283*.
Identifiers: ClinVar variation 521653 (VCV000521653.10), dbSNP rs143745703, ClinGen allele CA8365581.

ClinVar aggregate classification (germline): Pathogenic. Review status: criteria provided, multiple submitters, no conflicts (2 of 4 stars). 4 submissions from 4 submitters: Pathogenic (4). Last evaluated 2024-10-11.

Conditions:
Cone-rod dystrophy 6 (CORD6). Also called: RETINAL CONE DYSTROPHY 2; Cone dystrophy progressive. Identifiers: Orphanet 1872, MedGen C1866293, MONDO:0011143, OMIM 601777.
Leber congenital amaurosis 1 (LCA1). Also called: Congenital absence of the rods and cones; Leber's congenital tapetoretinal degeneration; Leber's congenital tapetoretinal dysplasia; RETINAL BLINDNESS, CONGENITAL; AMAUROSIS CONGENITA OF LEBER I. Identifiers: Orphanet 65, MedGen C2931258, MONDO:0008764, OMIM 204000.
Leber congenital amaurosis (LCA). Also called: Leber's amaurosis. Identifiers: Orphanet 65, MedGen C0339527, MeSH D057130, MONDO:0018998.
Inborn genetic diseases. Identifiers: MedGen C0950123, MeSH D030342.
GUCY2D-related disorders.

Allele frequency attached by ClinVar (database versions not stated): ExAC below 0.00001; TOPMed 0.00002.
gnomAD v4.1: 9 of 1,613,616 alleles (0.00056%); highest among the groups gnomAD compares: South Asian, 0.0011%; no homozygotes.

Submissions (4):

Women's Health and Genetics/Laboratory Corporation of America, LabCorp
Classification: Pathogenic for Leber congenital amaurosis. Last evaluated: 2024-10-11. Review status: criteria provided, single submitter. Criteria: LabCorp Variant Classification Summary - May 2015. Collection method: clinical testing. Allele origin: germline.
Comment: Variant summary: GUCY2D c.849C>G (p.Tyr283X) results in a premature termination codon, predicted to cause a truncation of the encoded protein or absence of the protein due to nonsense mediated decay, which are commonly known mechanisms for disease. The variant was absent in 250896 control chromosomes. c.849C>G has been reported in the literature in at-least one individual affected with Leber Congenital Amaurosis (example: Stone_2007). The following publication has been ascertained in the context of this evaluation (PMID: 17964524). ClinVar contains an entry for this variant (Variation ID: 521653). Based on the evidence outlined above, the variant was classified as pathogenic.

Labcorp Genetics (formerly Invitae), Labcorp
Classification: Pathogenic for Leber congenital amaurosis 1; Cone-rod dystrophy 6. Last evaluated: 2023-04-07. Review status: criteria provided, single submitter. Criteria: Invitae Variant Classification Sherloc (09022015). Collection method: clinical testing. Allele origin: germline.
Comment: This variant is not present in population databases (gnomAD no frequency). This sequence change creates a premature translational stop signal (p.Tyr283*) in the GUCY2D gene. It is expected to result in an absent or disrupted protein product. Loss-of-function variants in GUCY2D are known to be pathogenic (PMID: 10951519, 11328726). This premature translational stop signal has been observed in individual(s) with autosomal recessive Leber congenital amaurosis (PMID: 17964524). ClinVar contains an entry for this variant (Variation ID: 521653). For these reasons, this variant has been classified as Pathogenic.

Blueprint Genetics
Classification: Pathogenic for GUCY2D-related disorders. Last evaluated: 2022-02-23. Review status: criteria provided, single submitter. Criteria: ACMG Guidelines, 2015. Collection method: clinical testing. Allele origin: germline. Affected: yes. Observed: 3 variant alleles.

Ambry Genetics
Classification: Pathogenic for Inborn genetic diseases. Last evaluated: 2017-10-24. Review status: criteria provided, single submitter. Criteria: Ambry exome assertion method (8-5-2015). Collection method: clinical testing. Allele origin: germline. Affected: yes. Observed: 1 variant allele.

Literature cited by the submitters: PubMed 17964524 (cited by 3 submitters); PubMed 10951519 (cited by Labcorp Genetics (formerly Invitae), Labcorp); PubMed 11328726 (cited by Labcorp Genetics (formerly Invitae), Labcorp); PubMed 26047050 (cited by Ambry Genetics).